The following is an entry in ClinVar:

ClinVar aggregate classification (germline): Uncertain significance. Review status: criteria provided, multiple submitters, no conflicts (2 of 4 stars). 2 submissions from 2 submitters: Uncertain significance (2). Last evaluated 2024-09-30.

Allele frequency attached by ClinVar (database versions not stated): ExAC 0.00003; gnomAD exomes 0.00004; TOPMed 0.00006; gnomAD 0.00007; ESP Exome Variant Server 0.00008.
gnomAD v4.1: 76 of 1,613,830 alleles (0.0047%); highest among the groups gnomAD compares: Non-Finnish European, 0.0061%; no homozygotes.

Submissions (2):

Ambry Genetics
Classification: Uncertain significance. Last evaluated: 2024-09-30. Review status: criteria provided, single submitter. Criteria: Ambry Variant Classification Scheme 2023. Collection method: clinical testing. Allele origin: germline.

Labcorp Genetics (formerly Invitae), Labcorp
Classification: Uncertain significance. Last evaluated: 2023-03-17. Review status: criteria provided, single submitter. Criteria: Invitae Variant Classification Sherloc (09022015). Collection method: clinical testing. Allele origin: germline.
Comment: In summary, the available evidence is currently insufficient to determine the role of this variant in disease. Therefore, it has been classified as a Variant of Uncertain Significance. An algorithm developed to predict the effect of missense changes on protein structure and function (PolyPhen-2) suggests that this variant is likely to be tolerated. This variant has not been reported in the literature in individuals affected with SYNPO-related conditions. This variant is present in population databases (rs374045522, gnomAD 0.003%). This sequence change replaces proline, which is neutral and non-polar, with arginine, which is basic and polar, at codon 275 of the SYNPO protein (p.Pro275Arg).

NM_007286.6(SYNPO):c.824C>G (p.Pro275Arg)

Gene: SYNPO (synaptopodin; plus strand). Cytogenetic location: 5q33.1.
Variant type: single nucleotide variant.
Coding change: c.824C>G on transcript NM_007286.6 (MANE Select); coding-DNA position 824, C replaced by G.
Protein change: p.Pro275Arg; replaces proline 275 with arginine.
Molecular consequence: missense variant.
Genome position (GRCh38, 1-based): chr5:150,649,099, C>G. VCF-style: chr5-150649099-C-G. GRCh37 (hg19) VCF-style: chr5-150028661-C-G.
Other names: c.1556C>G (NM_001166208.1); c.824C>G, p.Pro275Arg (NM_001109974.3); c.1556C>G, p.Pro519Arg (NM_001166208.2, NM_001166209.2); short protein forms P275R, P519R.
Identifiers: ClinVar variation 2885973 (VCV002885973.4), dbSNP rs374045522, ClinGen allele CA3513293.